The following is an entry in ClinVar:

NM_020964.3(EPG5):c.6518C>T (p.Pro2173Leu)

Gene: EPG5 (ectopic P-granules 5 autophagy tethering factor; minus strand). Cytogenetic location: 18q12.3.
Variant type: single nucleotide variant.
Coding change: c.6518C>T on transcript NM_020964.3 (MANE Select); coding-DNA position 6518, C replaced by T.
Protein change: p.Pro2173Leu; replaces proline 2173 with leucine.
Molecular consequence: missense variant.
Genome position (GRCh38, 1-based): chr18:45,866,901, G>A on the plus strand (C>T on the coding strand, the complement: EPG5 is on the minus strand). VCF-style: chr18-45866901-G-A. GRCh37 (hg19) VCF-style: chr18-43446866-G-A.
Other names: short protein forms P2173L.
Identifiers: ClinVar variation 846534 (VCV000846534.7), dbSNP rs1476353006, ClinGen allele CA402339195.
Genomic context (GRCh38, chr18:45,866,901, plus strand): 5'-ACTTTTAGGAGCTTCATGATTAATTCAGCATAAGATTCTTTTGCCAGGATGATGGACGGC[G>A]GGTAATGGCTGCTGAAATAACTTAGCACACTCTGGTACGACACAATATCCACAAGATGCC-3'
Protein context (NP_066015.2, residues 2163-2183): SVLSYFSSHY[Pro2173Leu]PSIILAKESY

ClinVar aggregate classification (germline): Uncertain significance. Review status: criteria provided, multiple submitters, no conflicts (2 of 4 stars). 2 submissions from 2 submitters: Uncertain significance (2). Last evaluated 2025-09-22.

Conditions:
Inborn genetic diseases. Identifiers: MedGen C0950123, MeSH D030342.
Vici syndrome (VICIS). Identifiers: Orphanet 1493, MedGen C1855772, MONDO:0009452, OMIM 242840.

Allele frequency attached by ClinVar (database versions not stated): TOPMed 0.00004; gnomAD exomes 0.00011 and 0.00001; gnomAD 0.00002.

Submissions (2):

Ambry Genetics
Classification: Uncertain significance for Inborn genetic diseases. Last evaluated: 2025-09-22. Review status: criteria provided, single submitter. Criteria: Ambry Variant Classification Scheme 2023. Collection method: clinical testing. Allele origin: germline.

Labcorp Genetics (formerly Invitae), Labcorp
Classification: Uncertain significance for Vici syndrome. Last evaluated: 2022-07-12. Review status: criteria provided, single submitter. Criteria: Invitae Variant Classification Sherloc (09022015). Collection method: clinical testing. Allele origin: germline.
Comment: This sequence change replaces proline, which is neutral and non-polar, with leucine, which is neutral and non-polar, at codon 2173 of the EPG5 protein (p.Pro2173Leu). This variant is present in population databases (no rsID available, gnomAD 0.002%). This variant has not been reported in the literature in individuals affected with EPG5-related conditions. ClinVar contains an entry for this variant (Variation ID: 846534). Algorithms developed to predict the effect of missense changes on protein structure and function are either unavailable or do not agree on the potential impact of this missense change (SIFT: "Deleterious"; PolyPhen-2: "Probably Damaging"; Align-GVGD: "Class C0"). In summary, the available evidence is currently insufficient to determine the role of this variant in disease. Therefore, it has been classified as a Variant of Uncertain Significance.